The following is an entry in ClinVar:

ClinVar aggregate classification (germline): Uncertain significance (1 of 4 stars; one submission).

Submission:

Labcorp Genetics (formerly Invitae), Labcorp
Classification: Uncertain significance. Last evaluated: 2022-11-01. Review status: criteria provided, single submitter. Criteria: Invitae Variant Classification Sherloc (09022015). Collection method: clinical testing. Allele origin: germline.
Comment: In summary, the available evidence is currently insufficient to determine the role of this variant in disease. Therefore, it has been classified as a Variant of Uncertain Significance. Algorithms developed to predict the effect of missense changes on protein structure and function (SIFT, PolyPhen-2, Align-GVGD) all suggest that this variant is likely to be tolerated. ClinVar contains an entry for this variant (Variation ID: 1378431). This variant has not been reported in the literature in individuals affected with TBXAS1-related conditions. This variant is not present in population databases (gnomAD no frequency). This sequence change replaces serine, which is neutral and polar, with leucine, which is neutral and non-polar, at codon 232 of the TBXAS1 protein (p.Ser232Leu).

NM_001061.7(TBXAS1):c.692C>T (p.Ser231Leu)

Gene: TBXAS1 (thromboxane A synthase 1; plus strand). Cytogenetic location: 7q34.
Variant type: single nucleotide variant.
Coding change: c.692C>T on transcript NM_001061.7 (MANE Select); coding-DNA position 692, C replaced by T.
Protein change: p.Ser231Leu; replaces serine 231 with leucine.
Molecular consequence: missense variant.
Genome position (GRCh38, 1-based): chr7:139,957,637, C>T. VCF-style: chr7-139957637-C-T. GRCh37 (hg19) VCF-style: chr7-139657436-C-T.
Other names: c.692C>T, p.Ser231Leu (NM_001130966.5, NM_030984.6); c.830C>T, p.Ser277Leu (NM_001166253.4); c.491C>T, p.Ser164Leu (NM_001166254.4); c.635C>T, p.Ser212Leu (NM_001314028.4); c.509C>T, p.Ser170Leu (NM_001366537.3); short protein forms S170L, S164L, S277L, S212L, S231L.
Identifiers: ClinVar variation 1378431 (VCV001378431.8), dbSNP rs2117348754, ClinGen allele CA369582651.